The following is an entry in ClinVar:

NM_005045.4(RELN):c.3008+6A>G

Gene: RELN (reelin; minus strand). Cytogenetic location: 7q22.1.
Variant type: single nucleotide variant.
Coding change: c.3008+6A>G on transcript NM_005045.4 (MANE Select); 6 bases into the intron after coding-DNA position 3008, A replaced by G.
Molecular consequence: intron variant.
Genome position (GRCh38, 1-based): chr7:103,610,689, T>C on the plus strand (A>G on the coding strand, the complement: RELN is on the minus strand). VCF-style: chr7-103610689-T-C. GRCh37 (hg19) VCF-style: chr7-103251136-T-C.
Other names: c.3008+6A>G (NM_173054.3).
Identifiers: ClinVar variation 1485206 (VCV001485206.6), dbSNP rs1229943471, ClinGen allele CA830803546.

ClinVar aggregate classification (germline): Uncertain significance (1 of 4 stars; one submission).

Conditions:
Norman-Roberts syndrome (LIS2). Also called: Lissencephaly 2 (Norman-Roberts type). Identifiers: Orphanet 89844, MedGen C0796089, MONDO:0009760, OMIM 257320.
Familial temporal lobe epilepsy 7. Identifiers: Orphanet 101046, MedGen C4225327, MONDO:0014639, OMIM 616436.

Allele frequency attached by ClinVar (database versions not stated): gnomAD exomes below 0.00001; TOPMed below 0.00001; gnomAD 0.00001.
gnomAD v4.1: 2 of 1,407,416 alleles (0.00014%); highest among the groups gnomAD compares: Non-Finnish European, 0.0002%; no homozygotes.

Submission:

Labcorp Genetics (formerly Invitae), Labcorp
Classification: Uncertain significance for Familial temporal lobe epilepsy 7; Norman-Roberts syndrome. Last evaluated: 2024-02-16. Review status: criteria provided, single submitter. Criteria: Invitae Variant Classification Sherloc (09022015). Collection method: clinical testing. Allele origin: germline.
Comment: This sequence change falls in intron 22 of the RELN gene. It does not directly change the encoded amino acid sequence of the RELN protein. It affects a nucleotide within the consensus splice site. This variant is not present in population databases (gnomAD no frequency). This variant has not been reported in the literature in individuals affected with RELN-related conditions. ClinVar contains an entry for this variant (Variation ID: 1485206). Variants that disrupt the consensus splice site are a relatively common cause of aberrant splicing (PMID: 17576681, 9536098). Algorithms developed to predict the effect of sequence changes on RNA splicing suggest that this variant may disrupt the consensus splice site. In summary, the available evidence is currently insufficient to determine the role of this variant in disease. Therefore, it has been classified as a Variant of Uncertain Significance.

Literature cited by the submitters: PubMed 17576681; PubMed 9536098.